The following is an entry in ClinVar:

ClinVar aggregate classification (germline): Likely benign (1 of 4 stars; one submission).

Allele frequency attached by ClinVar (database versions not stated): gnomAD 0.00003; TOPMed 0.00003; gnomAD exomes 0.00005.
gnomAD v4.1: 53 of 1,231,710 alleles (0.0043%); highest among the groups gnomAD compares: Non-Finnish European, 0.005%; no homozygotes.

Submission:

CeGaT Center for Human Genetics Tuebingen
Classification: Likely benign. Last evaluated: 2022-12-01. Review status: criteria provided, single submitter. Criteria: CeGaT Center For Human Genetics Tuebingen Variant Classification Criteria Version 2. Collection method: clinical testing. Allele origin: germline. Affected: yes. Observed: 1 variant allele.
Comment: RIMBP2: BP4, BP7

NM_001393629.1(RIMBP2):c.2988G>A (p.Pro996=)

Genes: PIWIL1 (piwi like RNA-mediated gene silencing 1; plus strand), RIMBP2 (RIMS binding protein 2; minus strand). Cytogenetic location: 12q24.33.
Variant type: single nucleotide variant.
Coding change: c.2988G>A on transcript NM_001393629.1 (MANE Select); coding-DNA position 2988, G replaced by A.
Protein change: p.Pro996=; no amino-acid change (proline 996 retained).
Molecular consequence: synonymous variant. On other transcripts: intron variant (18).
Genome position (GRCh38, 1-based): chr12:130,424,283, C>T on the plus strand (G>A on the coding strand, the complement: RIMBP2 is on the minus strand). VCF-style: chr12-130424283-C-T. GRCh37 (hg19) VCF-style: chr12-130908828-C-T.
Other names: c.2988G>A, p.Pro996= (NM_001393614.1, NM_001393615.1, NM_001393616.1 and 1 more transcripts); c.2413-1722G>A (NM_001351227.2, NM_001393621.1, NM_001351229.2 and 13 more transcripts); c.2254-1722G>A (NM_001393628.1); c.2362-1722G>A (NM_015347.5).
Identifiers: ClinVar variation 2643590 (VCV002643590.24), dbSNP rs1388394929, ClinGen allele CA608178706.